The following is an entry in ClinVar:

ClinVar aggregate classification (germline): Likely pathogenic (1 of 4 stars; one submission).

Conditions:
Macular dystrophy with or without extraocular features.

Submission:

Ophthalmic Genetics Group, Institute of Molecular and Clinical Ophthalmology Basel
Classification: Likely pathogenic for Macular dystrophy with or without extraocular features. Last evaluated: 2024-12-17. Review status: criteria provided, single submitter. Criteria: ACMG Guidelines, 2015. Collection method: research. Allele origin: germline. Affected: yes. Observed: 1 variant allele.
Comment: This frameshift insertion results in a truncated AP5Z1 protein (removing >10% of the transcript), for which loss-of-function is a known mechanism of disease. This variant is not present in gnomAD v2.1.1. Therefore, it was classified as Likely pathogenic based on ACMG criteria: PVS1_strong, PM2_mod.

Literature cited by the submitters: PubMed 40081374.

NM_014855.3(AP5Z1):c.1852dup (p.Leu618fs)

Gene: AP5Z1 (adaptor related protein complex 5 subunit zeta 1; plus strand). Cytogenetic location: 7p22.1.
Variant type: Duplication.
Coding change: c.1852dup on transcript NM_014855.3 (MANE Select); coding-DNA position 1852, one base duplicated (C; older notation c.1852dupC).
Protein change: p.Leu618fs; shifts the reading frame from leucine 618.
Molecular consequence: frameshift variant. On other transcripts: non-coding transcript variant (1).
Genome position (GRCh38, 1-based): chr7:4,790,505, C duplicated; the last of 3 consecutive C bases (chr7:4,790,503-4,790,505); duplicating any one gives the same sequence. VCF-style (leftmost placement, unchanged base first): chr7-4790502-T-TC. GRCh37 (hg19) VCF-style: chr7-4830133-T-TC.
Other names: NC_000007.13:g.4830136dup; NP_055670.1:p.(Leu618ProfsTer145); c.1384dup, p.Leu462fs (NM_001364858.1); short protein forms L462fs, L618fs.
Identifiers: ClinVar variation 3777710 (VCV003777710.1).
Genomic context (GRCh38, chr7:4,790,502, plus strand): 5'-CCCGGCTTTCTGGGCAGTGTGCTGAGTTCTCAGTTCCTGGCCCTGTGTACGCTGAAACCC[T>TC]CCCTGGTGGTGGAGCTGGCAAGAGACCTGCTGGAGTTCCTGGGCAGCGTGAATGGTCTCT-3'